The following is an entry in ClinVar:

NM_024675.4(PALB2):c.3157G>T (p.Asp1053Tyr)

Gene: PALB2 (partner and localizer of BRCA2; minus strand). Cytogenetic location: 16p12.2.
Variant type: single nucleotide variant.
Coding change: c.3157G>T on transcript NM_024675.4 (MANE Select); coding-DNA position 3157, G replaced by T.
Protein change: p.Asp1053Tyr; replaces aspartic acid 1053 with tyrosine.
Molecular consequence: missense variant.
Genome position (GRCh38, 1-based): chr16:23,614,048, C>A on the plus strand (G>T on the coding strand, the complement: PALB2 is on the minus strand). VCF-style: chr16-23614048-C-A. GRCh37 (hg19) VCF-style: chr16-23625369-C-A.
Other names: short protein forms D1053Y.
Identifiers: ClinVar variation 1053174 (VCV001053174.13), dbSNP rs967436311, ClinGen allele CA395141300.

ClinVar aggregate classification (germline): Uncertain significance. Review status: criteria provided, multiple submitters, no conflicts (2 of 4 stars). 2 submissions from 2 submitters: Uncertain significance (2). Last evaluated 2025-10-30.

Conditions:
Hereditary cancer-predisposing syndrome. Also called: Tumor predisposition; Hereditary neoplastic syndrome; Hereditary Cancer Syndrome; Neoplastic Syndromes, Hereditary. Identifiers: Orphanet 140162, MedGen C0027672, MeSH D009386, MONDO:0015356.
Familial cancer of breast. Also called: BREAST CANCER, FAMILIAL; Hereditary breast cancer; hereditary breast carcinoma. Identifiers: Orphanet 227535, MedGen C0346153, MONDO:0016419, OMIM 114480. Disease mechanism: loss of function.

Allele frequency attached by ClinVar (database versions not stated): gnomAD exomes below 0.00001.
gnomAD v4.1: 1 of 1,613,604 alleles (0.000062%); highest among the groups gnomAD compares: Non-Finnish European, 0.000085%; no homozygotes.

Submissions (2):

Ambry Genetics
Classification: Uncertain significance for Hereditary cancer-predisposing syndrome. Last evaluated: 2025-10-30. Review status: criteria provided, single submitter. Criteria: Ambry Variant Classification Scheme 2023. Collection method: clinical testing. Allele origin: germline.
Comment: The p.D1053Y variant (also known as c.3157G>T), located in coding exon 11 of the PALB2 gene, results from a G to T substitution at nucleotide position 3157. The aspartic acid at codon 1053 is replaced by tyrosine, an amino acid with highly dissimilar properties. This amino acid position is conserved. In addition, this alteration is predicted to be tolerated by in silico analysis. Since supporting evidence is limited at this time, the clinical significance of this alteration remains unclear.

Labcorp Genetics (formerly Invitae), Labcorp
Classification: Uncertain significance for Familial cancer of breast. Last evaluated: 2025-09-27. Review status: criteria provided, single submitter. Criteria: Invitae Variant Classification Sherloc (09022015). Collection method: clinical testing. Allele origin: germline.
Comment: This sequence change replaces aspartic acid, which is acidic and polar, with tyrosine, which is neutral and polar, at codon 1053 of the PALB2 protein (p.Asp1053Tyr). This variant is not present in population databases (gnomAD no frequency). This variant has not been reported in the literature in individuals affected with PALB2-related conditions. ClinVar contains an entry for this variant (Variation ID: 1053174). Invitae Evidence Modeling of protein sequence and biophysical properties (such as structural, functional, and spatial information, amino acid conservation, physicochemical variation, residue mobility, and thermodynamic stability) indicates that this missense variant is not expected to disrupt PALB2 protein function with a negative predictive value of 80%. In summary, the available evidence is currently insufficient to determine the role of this variant in disease. Therefore, it has been classified as a Variant of Uncertain Significance.